The following is an entry in ClinVar:

ClinVar aggregate classification (germline): Uncertain significance. Review status: criteria provided, multiple submitters, no conflicts (2 of 4 stars). 2 submissions from 2 submitters: Uncertain significance (2). Last evaluated 2025-07-28.

Conditions:
Hereditary cancer-predisposing syndrome. Also called: Neoplastic Syndromes, Hereditary; Hereditary Cancer Syndrome; Hereditary neoplastic syndrome; Tumor predisposition. Identifiers: Orphanet 140162, MedGen C0027672, MeSH D009386, MONDO:0015356.

Submissions (2):

Ambry Genetics
Classification: Uncertain significance for Hereditary cancer-predisposing syndrome. Last evaluated: 2025-07-28. Review status: criteria provided, single submitter. Criteria: Ambry Variant Classification Scheme 2023. Collection method: clinical testing. Allele origin: germline.
Comment: The p.R330G variant (also known as c.988C>G), located in coding exon 6 of the CTNNA1 gene, results from a C to G substitution at nucleotide position 988. The arginine at codon 330 is replaced by glycine, an amino acid with dissimilar properties. This amino acid position is conserved. In addition, the in silico prediction for this alteration is inconclusive. Since supporting evidence is limited at this time, the clinical significance of this alteration remains unclear.

Labcorp Genetics (formerly Invitae), Labcorp
Classification: Uncertain significance. Last evaluated: 2024-01-09. Review status: criteria provided, single submitter. Criteria: Invitae Variant Classification Sherloc (09022015). Collection method: clinical testing. Allele origin: germline.
Comment: This sequence change replaces arginine, which is basic and polar, with glycine, which is neutral and non-polar, at codon 330 of the CTNNA1 protein (p.Arg330Gly). This variant is not present in population databases (gnomAD no frequency). This variant has not been reported in the literature in individuals affected with CTNNA1-related conditions. ClinVar contains an entry for this variant (Variation ID: 2563268). Advanced modeling of protein sequence and biophysical properties (such as structural, functional, and spatial information, amino acid conservation, physicochemical variation, residue mobility, and thermodynamic stability) has been performed at Invitae for this missense variant, however the output from this modeling did not meet the statistical confidence thresholds required to predict the impact of this variant on CTNNA1 protein function. In summary, the available evidence is currently insufficient to determine the role of this variant in disease. Therefore, it has been classified as a Variant of Uncertain Significance.

NM_001903.5(CTNNA1):c.988C>G (p.Arg330Gly)

Gene: CTNNA1 (catenin alpha 1; plus strand). Cytogenetic location: 5q31.2.
Variant type: single nucleotide variant.
Coding change: c.988C>G on transcript NM_001903.5 (MANE Select); coding-DNA position 988, C replaced by G.
Protein change: p.Arg330Gly; replaces arginine 330 with glycine.
Molecular consequence: missense variant.
Genome position (GRCh38, 1-based): chr5:138,827,644, C>G. VCF-style: chr5-138827644-C-G. GRCh37 (hg19) VCF-style: chr5-138163333-C-G.
Other names: c.988C>G, p.Arg330Gly (NM_001290307.3, NM_001323982.2, NM_001323983.1 and 3 more transcripts); c.679C>G, p.Arg227Gly (NM_001290309.3); c.619C>G, p.Arg207Gly (NM_001290310.3); short protein forms R227G, R207G, R330G.
Identifiers: ClinVar variation 2563268 (VCV002563268.6), dbSNP rs1760853984, ClinGen allele CA361131082.